The following is an entry in ClinVar:

Single allele

Genes: ATAD3B (ATPase family AAA domain containing 3B; plus strand), ATAD3C (ATPase family AAA domain containing 3C; plus strand), LOC129388422 (MPRA-validated peak11 silencer; plus strand), LOC129929128 (ATAC-STARR-seq lymphoblastoid active region 21; plus strand), LOC129929129 (ATAC-STARR-seq lymphoblastoid active region 22; plus strand) and 1 more. Cytogenetic location: 1p36.33.
Variant type: Deletion.
Identifiers: ClinVar variation 156721 (VCV000156721.2).

ClinVar aggregate classification (germline): not provided. Review status: no classification provided (0 of 4 stars). 2 submissions from 1 submitter: not provided (2).

Conditions:
Small for gestational age. Also called: Low birth weight. Identifiers: MedGen C0235991, HP:0001518.
Large for gestational age. Identifiers: MedGen C1848395, HP:0001520.

Submissions (2):

Institute of Molecular and Cell Biology, University of Tartu
No classification provided. Condition: Small for gestational age. Review status: no classification provided. Collection method: case-control. Allele origin: unknown. Affected: yes. Study: Kasak2014.
Comment: The study aimed to determine the contribution of copy number variants in the genetic etiology of normal and complicated pregnancies. The samples represented (i) maternal blood DNA drawn from healthy pregnant women during 1st or 2nd trimester and (ii) maternal and paternal blood DNA drawn at term pregnancy cases representing normal and complicated gestations (severe preeclampsia, PE; gestational diabetes, GD; small-for-gestational age newborn, SGA; large-for-gestational age newborn, LGA). We performed CNV calling based on genome-wide genotyping dataset (Illumina HumanOmniExpress-24-v1 BeadChip) by applying three algorithms, QuantiSNP, GADA (Genome Alteration Detection Algorithm) and CNstream in parallel. The acquired CNV calls were merged with HD-CNV (Hotspot Detector for Copy Number Variants) program and only the CNVs predicted by at least two programs, were considered in subsequent analysis.

Institute of Molecular and Cell Biology, University of Tartu
No classification provided. Condition: Large for gestational age. Review status: no classification provided. Collection method: case-control. Allele origin: unknown. Affected: yes. Study: Kasak2014.
Comment: the same text as in the submission from Institute of Molecular and Cell Biology, University of Tartu above.

Literature cited by the submitters: PubMed 25666259.